The following is an entry in ClinVar:

ClinVar aggregate classification (germline): Uncertain significance (1 of 4 stars; one submission).

Allele frequency attached by ClinVar (database versions not stated): gnomAD 0.00001; gnomAD exomes 0.00001; TOPMed 0.00002.
gnomAD v4.1: 6 of 1,613,268 alleles (0.00037%); highest among the groups gnomAD compares: African/African-American, 0.0067%; no homozygotes.

Submission:

Labcorp Genetics (formerly Invitae), Labcorp
Classification: Uncertain significance. Last evaluated: 2022-07-13. Review status: criteria provided, single submitter. Criteria: Invitae Variant Classification Sherloc (09022015). Collection method: clinical testing. Allele origin: germline.
Comment: In summary, the available evidence is currently insufficient to determine the role of this variant in disease. Therefore, it has been classified as a Variant of Uncertain Significance. Algorithms developed to predict the effect of missense changes on protein structure and function (SIFT, PolyPhen-2, Align-GVGD) all suggest that this variant is likely to be disruptive. ClinVar contains an entry for this variant (Variation ID: 1444966). This variant has not been reported in the literature in individuals affected with WHRN-related conditions. This variant is present in population databases (no rsID available, gnomAD 0.008%). This sequence change replaces serine, which is neutral and polar, with leucine, which is neutral and non-polar, at codon 685 of the WHRN protein (p.Ser685Leu).

NM_015404.4(WHRN):c.2054C>T (p.Ser685Leu)

Gene: WHRN (whirlin; minus strand). Cytogenetic location: 9q32.
Variant type: single nucleotide variant.
Coding change: c.2054C>T on transcript NM_015404.4 (MANE Select); coding-DNA position 2054, C replaced by T.
Protein change: p.Ser685Leu; replaces serine 685 with leucine.
Molecular consequence: missense variant.
Genome position (GRCh38, 1-based): chr9:114,406,537, G>A on the plus strand (C>T on the coding strand, the complement: WHRN is on the minus strand). VCF-style: chr9-114406537-G-A. GRCh37 (hg19) VCF-style: chr9-117168817-G-A.
Other names: c.905C>T, p.Ser302Leu (NM_001083885.3); c.2054C>T, p.Ser685Leu (NM_001173425.2); c.1001C>T, p.Ser334Leu (NM_001346890.1); short protein forms S302L, S685L, S334L.
Identifiers: ClinVar variation 1444966 (VCV001444966.4), dbSNP rs1370011915, ClinGen allele CA374620393.